The following is an entry in ClinVar:

NM_022168.4(IFIH1):c.853G>T (p.Gly285Cys)

Gene: IFIH1 (interferon induced with helicase C domain 1; minus strand). Cytogenetic location: 2q24.2.
Variant type: single nucleotide variant.
Coding change: c.853G>T on transcript NM_022168.4 (MANE Select); coding-DNA position 853, G replaced by T.
Protein change: p.Gly285Cys; replaces glycine 285 with cysteine.
Molecular consequence: missense variant.
Genome position (GRCh38, 1-based): chr2:162,293,585, C>A on the plus strand (G>T on the coding strand, the complement: IFIH1 is on the minus strand). VCF-style: chr2-162293585-C-A. GRCh37 (hg19) VCF-style: chr2-163150095-C-A.
Other names: short protein forms G285C.
Identifiers: ClinVar variation 3381706 (VCV003381706.1).

ClinVar aggregate classification (germline): Uncertain significance (1 of 4 stars; one submission).

Submission:

GeneDx
Classification: Uncertain significance. Last evaluated: 2024-05-20. Review status: criteria provided, single submitter. Criteria: GeneDx Variant Classification Process June 2021. Collection method: clinical testing. Allele origin: germline. Affected: yes.
Comment: Not observed at significant frequency in large population cohorts (gnomAD); In silico analysis indicates that this missense variant does not alter protein structure/function; Has not been previously published as pathogenic or benign to our knowledge